The following is an entry in ClinVar:

ClinVar aggregate classification (germline): Pathogenic (1 of 4 stars; one submission).

Submission:

Labcorp Genetics (formerly Invitae), Labcorp
Classification: Pathogenic. Last evaluated: 2022-04-08. Review status: criteria provided, single submitter. Criteria: Invitae Variant Classification Sherloc (09022015). Collection method: clinical testing. Allele origin: germline.
Comment: This sequence change creates a premature translational stop signal (p.Ile1521Asnfs*34) in the ABCA4 gene. It is expected to result in an absent or disrupted protein product. Loss-of-function variants in ABCA4 are known to be pathogenic (PMID: 10958761, 24938718, 25312043, 26780318). For these reasons, this variant has been classified as Pathogenic. This variant has not been reported in the literature in individuals affected with ABCA4-related conditions. This variant is not present in population databases (gnomAD no frequency).

Literature cited by the submitters: PubMed 10958761; PubMed 24938718; PubMed 25312043; PubMed 26780318.

NM_000350.3(ABCA4):c.4561dup (p.Ile1521fs)

Gene: ABCA4 (ATP binding cassette subfamily A member 4; minus strand). Cytogenetic location: 1p22.1.
Variant type: Duplication.
Coding change: c.4561dup on transcript NM_000350.3 (MANE Select); coding-DNA position 4561, one base duplicated (A; older notation c.4561dupA).
Protein change: p.Ile1521fs; shifts the reading frame from isoleucine 1521.
Molecular consequence: frameshift variant.
Genome position (GRCh38, 1-based): chr1:94,025,027, T duplicated on the plus strand (A on the coding strand, the reverse complement: ABCA4 is on the minus strand); the first of 3 consecutive T bases (chr1:94,025,027-94,025,029); duplicating any one gives the same sequence. VCF-style (leftmost placement, unchanged base first): chr1-94025026-A-AT. GRCh37 (hg19) VCF-style: chr1-94490582-A-AT.
Other names: c.4337dup, p.Ile1447Asnfs (NM_001425324.1); short protein forms I1521fs.
Identifiers: ClinVar variation 2119533 (VCV002119533.4), dbSNP rs2523707186, ClinGen allele CA2580063577.